The following is an entry in ClinVar:

NM_001142864.4(PIEZO1):c.7414C>T (p.Pro2472Ser)

Gene: PIEZO1 (piezo type mechanosensitive ion channel component 1 (Er blood group); minus strand). Cytogenetic location: 16q24.3.
Variant type: single nucleotide variant.
Coding change: c.7414C>T on transcript NM_001142864.4 (MANE Select); coding-DNA position 7414, C replaced by T.
Protein change: p.Pro2472Ser; replaces proline 2472 with serine.
Molecular consequence: missense variant.
Genome position (GRCh38, 1-based): chr16:88,715,757, G>A on the plus strand (C>T on the coding strand, the complement: PIEZO1 is on the minus strand). VCF-style: chr16-88715757-G-A. GRCh37 (hg19) VCF-style: chr16-88782165-G-A.
Other names: c.7414C>T, p.Pro2472Ser (LRG_1137t1); short protein forms P2472S.
Identifiers: ClinVar variation 546470 (VCV000546470.7), dbSNP rs752052449, ClinGen allele CA8231321.

ClinVar aggregate classification (germline): Uncertain significance. Review status: criteria provided, multiple submitters, no conflicts (2 of 4 stars). 4 submissions from 4 submitters: Uncertain significance (4). Last evaluated 2024-08-26.

Conditions:
Inborn genetic diseases. Identifiers: MedGen C0950123, MeSH D030342.

Allele frequency attached by ClinVar (database versions not stated): gnomAD exomes 0.00002 and 0.00004; TOPMed 0.00003; gnomAD 0.00004; ExAC 0.00010.
gnomAD v4.1: 29 of 1,550,312 alleles (0.0019%); highest among the groups gnomAD compares: Middle Eastern, 0.017%; no homozygotes.

Submissions (4):

Ambry Genetics
Classification: Uncertain significance for Inborn genetic diseases. Last evaluated: 2024-08-26. Review status: criteria provided, single submitter. Criteria: Ambry Variant Classification Scheme 2023. Collection method: clinical testing. Allele origin: germline.

Clinical Genetics Laboratory, Skane University Hospital Lund
Classification: Uncertain significance. Last evaluated: 2023-01-12. Review status: criteria provided, single submitter. Criteria: ACMG Guidelines, 2015. Collection method: clinical testing. Allele origin: germline. Affected: yes.

GeneDx
Classification: Uncertain significance. Last evaluated: 2022-02-22. Review status: criteria provided, single submitter. Criteria: GeneDx Variant Classification Process June 2021. Collection method: clinical testing. Allele origin: germline. Affected: yes.
Comment: Has not been previously published as pathogenic or benign to our knowledge; In silico analysis supports that this missense variant has a deleterious effect on protein structure/function

Breakthrough Genomics
Classification: Uncertain significance. Review status: criteria provided, single submitter. Criteria: ACMG Guidelines, 2015. Collection method: not provided. Allele origin: germline. Inheritance: Autosomal recessive inheritance. Affected: yes.